The following is an entry in ClinVar:

ClinVar aggregate classification (germline): Likely benign (1 of 4 stars; one submission).

Allele frequency attached by ClinVar (database versions not stated): ExAC 0.00001; gnomAD 0.00002; TOPMed 0.00002.

Submission:

CeGaT Center for Human Genetics Tuebingen
Classification: Likely benign. Last evaluated: 2022-12-01. Review status: criteria provided, single submitter. Criteria: CeGaT Center For Human Genetics Tuebingen Variant Classification Criteria Version 2. Collection method: clinical testing. Allele origin: germline. Affected: yes. Observed: 1 variant allele.
Comment: LONRF2: BP4, BP7

NM_198461.4(LONRF2):c.2112C>T (p.Ala704=)

Gene: LONRF2 (LON peptidase N-terminal domain and ring finger 2; minus strand). Cytogenetic location: 2q11.2.
Variant type: single nucleotide variant.
Coding change: c.2112C>T on transcript NM_198461.4 (MANE Select); coding-DNA position 2112, C replaced by T.
Protein change: p.Ala704=; no amino-acid change (alanine 704 retained).
Molecular consequence: synonymous variant.
Genome position (GRCh38, 1-based): chr2:100,284,451, G>A on the plus strand (C>T on the coding strand, the complement: LONRF2 is on the minus strand). VCF-style: chr2-100284451-G-A. GRCh37 (hg19) VCF-style: chr2-100900913-G-A.
Other names: c.1383C>T, p.Ala461= (NM_001371783.1).
Identifiers: ClinVar variation 2651205 (VCV002651205.24), dbSNP rs771598045, ClinGen allele CA1801711.